The following is an entry in ClinVar:

ClinVar aggregate classification (germline): Likely benign (0 of 4 stars; one submission).

Conditions:
EP400-related disorder. Also called: EP400-related condition.

Submission:

PreventionGenetics, part of Exact Sciences
Classification: Likely benign for EP400-related condition. Last evaluated: 2019-06-11. Review status: no assertion criteria provided. Collection method: clinical testing. Allele origin: germline.
Comment: This variant is classified as likely benign based on ACMG/AMP sequence variant interpretation guidelines (Richards et al. 2015 PMID: 25741868, with internal and published modifications).

NM_015409.5(EP400):c.57C>A (p.Ala19=)

Gene: EP400 (E1A binding protein p400; plus strand). Cytogenetic location: 12q24.33.
Variant type: single nucleotide variant.
Coding change: c.57C>A on transcript NM_015409.5 (MANE Select); coding-DNA position 57, C replaced by A.
Protein change: p.Ala19=; no amino-acid change (alanine 19 retained).
Molecular consequence: synonymous variant.
Genome position (GRCh38, 1-based): chr12:131,960,676, C>A. VCF-style: chr12-131960676-C-A. GRCh37 (hg19) VCF-style: chr12-132445221-C-A.
Identifiers: ClinVar variation 3033103 (VCV003033103.2), dbSNP rs1271359770, ClinGen allele CA482841997.